The following is an entry in ClinVar:

NM_000419.5(ITGA2B):c.205G>A (p.Gly69Ser)

Gene: ITGA2B (integrin subunit alpha 2b; minus strand). Cytogenetic location: 17q21.31.
Variant type: single nucleotide variant.
Coding change: c.205G>A on transcript NM_000419.5 (MANE Select); coding-DNA position 205, G replaced by A.
Protein change: p.Gly69Ser; replaces glycine 69 with serine.
Molecular consequence: missense variant.
Genome position (GRCh38, 1-based): chr17:44,386,115, C>T on the plus strand (G>A on the coding strand, the complement: ITGA2B is on the minus strand). VCF-style: chr17-44386115-C-T. GRCh37 (hg19) VCF-style: chr17-42463483-C-T.
Other names: short protein forms G69S.
Identifiers: ClinVar variation 1703868 (VCV001703868.2), dbSNP rs2510085563, ClinGen allele CA399806513.

ClinVar aggregate classification (germline): Uncertain significance (1 of 4 stars; one submission).

Conditions:
Glanzmann thrombasthenia 1 (GT1). Also called: BLEEDING DISORDER, PLATELET-TYPE, 2; GP IIb-IIIa COMPLEX DEFICIENCY; GLYCOPROTEIN COMPLEX IIb-IIIa DEFICIENCY; PLATELET FIBRINOGEN RECEPTOR DEFICIENCY. Identifiers: MedGen CN300358, MONDO:0031332, OMIM 273800.

Submission:

ISTH-SSC Genomics in Thrombosis and Hemostasis, KU Leuven, Center for Molecular and Vascular Biology
Classification: Uncertain significance for Glanzmann thrombasthenia 1. Review status: criteria provided, single submitter. Criteria: ACMG Guidelines, 2015. Collection method: clinical testing. Allele origin: germline. Affected: yes. Observed: 1 compound heterozygote.
Comment: Submitted to GoldVariant by Jose María Bastida and José Rivera; Grupo Español de Alteraciones Plaquetarias Congénitas (GEAPC)

Literature cited by the submitters: PubMed 25539746.